The following is an entry in ClinVar:

NM_001099922.3(ALG13):c.2842G>A (p.Asp948Asn)

Gene: ALG13 (ALG13 UDP-N-acetylglucosaminyltransferase subunit; plus strand). Cytogenetic location: Xq23.
Variant type: single nucleotide variant.
Coding change: c.2842G>A on transcript NM_001099922.3 (MANE Select); coding-DNA position 2842, G replaced by A.
Protein change: p.Asp948Asn; replaces aspartic acid 948 with asparagine.
Molecular consequence: missense variant. On other transcripts: intron variant (5).
Genome position (GRCh38, 1-based): chrX:111,744,814, G>A. VCF-style: chrX-111744814-G-A. GRCh37 (hg19) VCF-style: chrX-110988042-G-A.
Other names: c.2608G>A, p.Asp870Asn (NM_001257231.2); c.2383+7935G>A (NM_001257237.2, NM_001257234.2, NM_001257230.2); c.2209+7935G>A (NM_001324293.1); c.2695+7935G>A (NM_001324292.2); short protein forms D948N, D870N.
Identifiers: ClinVar variation 424451 (VCV000424451.8), dbSNP rs750257151, ClinGen allele CA10493991.

ClinVar aggregate classification (germline): Uncertain significance. Review status: criteria provided, multiple submitters, no conflicts (2 of 4 stars). 2 submissions from 2 submitters: Uncertain significance (2). Last evaluated 2025-05-07.

Conditions:
Developmental and epileptic encephalopathy, 36 (DEE36). Also called: ALG13-CDG; Congenital disorder of glycosylation, type Is; Epileptic encephalopathy, early infantile, 36. Identifiers: Orphanet 324422, MedGen C4317295, MONDO:0010472, OMIM 300884.

Allele frequency attached by ClinVar (database versions not stated): gnomAD exomes 0.00001 and 0.00002; TOPMed 0.00002; gnomAD 0.00003; ExAC below 0.00001.
gnomAD v4.1: 21 of 1,165,896 alleles (0.0018%); highest among the groups gnomAD compares: Non-Finnish European, 0.0024%; no homozygotes.

Submissions (2):

Labcorp Genetics (formerly Invitae), Labcorp
Classification: Uncertain significance for Developmental and epileptic encephalopathy, 36. Last evaluated: 2025-05-07. Review status: criteria provided, single submitter. Criteria: Invitae Variant Classification Sherloc (09022015). Collection method: clinical testing. Allele origin: germline.
Comment: This sequence change replaces aspartic acid, which is acidic and polar, with asparagine, which is neutral and polar, at codon 948 of the ALG13 protein (p.Asp948Asn). The frequency data for this variant in the population databases is considered unreliable, as metrics indicate poor data quality at this position in the gnomAD database. This variant has not been reported in the literature in individuals affected with ALG13-related conditions. ClinVar contains an entry for this variant (Variation ID: 424451). Invitae Evidence Modeling of protein sequence and biophysical properties (such as structural, functional, and spatial information, amino acid conservation, physicochemical variation, residue mobility, and thermodynamic stability) indicates that this missense variant is not expected to disrupt ALG13 protein function with a negative predictive value of 95%. In summary, the available evidence is currently insufficient to determine the role of this variant in disease. Therefore, it has been classified as a Variant of Uncertain Significance.

GeneDx
Classification: Uncertain significance. Last evaluated: 2018-03-08. Review status: criteria provided, single submitter. Criteria: GeneDx Variant Classification (06012015). Collection method: clinical testing. Allele origin: germline. Affected: yes.
Comment: The D948N variant has not been published as a pathogenic variant, nor has it been reported as a benign variant to our knowledge. The D948N variant is not observed in large population cohorts (Lek et al., 2016; 1000 Genomes Consortium et al., 2015; Exome Variant Server). The D948N variant is a semi-conservative amino acid substitution, which may impact secondary protein structure as these residues differ in some properties. This substitution occurs at a position that is where amino acids with similar properties to Aspartic acid are tolerated across species. In silico analysis is inconsistent in its predictions as to whether or not the variant is damaging to the protein structure/function.